The following is an entry in ClinVar:

NM_002437.5(MPV17):c.71-1G>T

Gene: MPV17 (mitochondrial inner membrane protein MPV17; minus strand). Cytogenetic location: 2p23.3.
Variant type: single nucleotide variant.
Coding change: c.71-1G>T on transcript NM_002437.5 (MANE Select); the canonical splice acceptor site of the intron before coding-DNA position 71, G replaced by T.
Molecular consequence: splice acceptor variant.
Genome position (GRCh38, 1-based): chr2:27,313,110, C>A on the plus strand (G>T on the coding strand, the complement: MPV17 is on the minus strand). VCF-style: chr2-27313110-C-A. GRCh37 (hg19) VCF-style: chr2-27535977-C-A.
Identifiers: ClinVar variation 1480456 (VCV001480456.10), dbSNP rs751134093, ClinGen allele CA1575675.

ClinVar aggregate classification (germline): Likely pathogenic. Review status: criteria provided, multiple submitters, no conflicts (2 of 4 stars). 2 submissions from 2 submitters: Likely pathogenic (2). Last evaluated 2025-10-17.

Conditions:
Charcot-Marie-Tooth disease, axonal, type 2EE. Also called: CHARCOT-MARIE-TOOTH NEUROPATHY, TYPE 2EE. Identifiers: MedGen C5193076, MONDO:0032728, OMIM 618400.

Allele frequency attached by ClinVar (database versions not stated): gnomAD exomes below 0.00001 and 0.00001; TOPMed below 0.00001; ExAC 0.00001; gnomAD 0.00001.
gnomAD v4.1: 4 of 1,614,068 alleles (0.00025%); highest among the groups gnomAD compares: Non-Finnish European, 0.00034%; no homozygotes.

Submissions (2):

Labcorp Genetics (formerly Invitae), Labcorp
Classification: Likely pathogenic. Last evaluated: 2025-10-17. Review status: criteria provided, single submitter. Criteria: Invitae Variant Classification Sherloc (09022015). Collection method: clinical testing. Allele origin: germline.
Comment: This sequence change affects an acceptor splice site in intron 2 of the MPV17 gene. It is expected to disrupt RNA splicing. Variants that disrupt the donor or acceptor splice site typically lead to a loss of protein function (PMID: 16199547), and loss-of-function variants in MPV17 are known to be pathogenic (PMID: 23714749). This variant is present in population databases (rs751134093, gnomAD 0.004%). This variant has not been reported in the literature in individuals affected with MPV17-related conditions. ClinVar contains an entry for this variant (Variation ID: 1480456). Algorithms developed to predict the effect of sequence changes on RNA splicing suggest that this variant may disrupt the consensus splice site. In summary, the currently available evidence indicates that the variant is pathogenic, but additional data are needed to prove that conclusively. Therefore, this variant has been classified as Likely Pathogenic.

Baylor Genetics
Classification: Likely pathogenic for Charcot-Marie-Tooth disease, axonal, type 2EE. Last evaluated: 2024-03-20. Review status: criteria provided, single submitter. Criteria: ACMG Guidelines, 2015. Collection method: clinical testing. Allele origin: unknown.

Literature cited by the submitters: PubMed 16199547 (cited by Labcorp Genetics (formerly Invitae), Labcorp); PubMed 23714749 (cited by Labcorp Genetics (formerly Invitae), Labcorp).